The following is an entry in ClinVar:

NM_001110556.2(FLNA):c.7928G>C (p.Arg2643Pro)

Genes: FLNA (filamin A; minus strand), LOC107988032 (Xq28 proximal FLNA-EMD recombination region; plus strand). Cytogenetic location: Xq28.
Variant type: single nucleotide variant.
Coding change: c.7928G>C on transcript NM_001110556.2 (MANE Select); coding-DNA position 7928, G replaced by C.
Protein change: p.Arg2643Pro; replaces arginine 2643 with proline.
Molecular consequence: missense variant.
Genome position (GRCh38, 1-based): chrX:154,348,865, C>G on the plus strand (G>C on the coding strand, the complement: FLNA is on the minus strand). VCF-style: chrX-154348865-C-G. GRCh37 (hg19) VCF-style: chrX-153577233-C-G.
Other names: c.7904G>C, p.Arg2635Pro (NM_001456.4); short protein forms R2643P, R2635P.
Identifiers: ClinVar variation 1385334 (VCV001385334.6), dbSNP rs782641074, ClinGen allele CA415176838.
Genomic context (GRCh38, chrX:154,348,865, plus strand): 5'-AGCGGGGCAGGCTTGGGGGCTGCCGGCTGGCACGGGCCCCAGACTCAGGGCACCACAACG[C>G]GGTAGGGGCTGCCTGGGATGTGCTCGTCCCCCCATTTGACCACCAGTGTGTACTCCCCCT-3'
Protein context (NP_001104026.1, residues 2633-2647): GDEHIPGSPY[Arg2643Pro]VVVP

ClinVar aggregate classification (germline): Uncertain significance (1 of 4 stars; one submission).

Conditions:
Heterotopia, periventricular, X-linked dominant (PVNH1). Also called: PERIVENTRICULAR NODULAR HETEROTOPIA 4; HETEROTOPIA, PERIVENTRICULAR, 1; PERIVENTRICULAR NODULAR HETEROTOPIA 1; X-linked periventricular heterotopia. Identifiers: Orphanet 2149, Orphanet 82004, MedGen C1848213, MONDO:0010233, OMIM 300049.
Melnick-Needles syndrome (MNS). Also called: MELNICK-NEEDLES OSTEODYSPLASTY; OSTEODYSPLASTY OF MELNICK AND NEEDLES; Melnick-Needles Syndrome (FLNA-MNS). Identifiers: Orphanet 2484, MedGen C0025237, MONDO:0010650, OMIM 309350.
Frontometaphyseal dysplasia (FMD1). Identifiers: Orphanet 1826, MedGen C0265293, MONDO:0015942.
Oto-palato-digital syndrome, type II (OPD2). Also called: FACIOPALATOOSSEOUS SYNDROME; OPD II SYNDROME; Otopalatodigital Syndrome, Type II; Otopalatodigital Syndrome Type 2 (FLNA-OPD2). Identifiers: Orphanet 669, Orphanet 90652, MedGen C1844696, MONDO:0010571, OMIM 304120.

Submission:

Labcorp Genetics (formerly Invitae), Labcorp
Classification: Uncertain significance for Oto-palato-digital syndrome, type II; Heterotopia, periventricular, X-linked dominant; Frontometaphyseal dysplasia; Melnick-Needles syndrome. Last evaluated: 2021-10-08. Review status: criteria provided, single submitter. Criteria: Invitae Variant Classification Sherloc (09022015). Collection method: clinical testing. Allele origin: germline.
Comment: In summary, the available evidence is currently insufficient to determine the role of this variant in disease. Therefore, it has been classified as a Variant of Uncertain Significance. Advanced modeling of protein sequence and biophysical properties (such as structural, functional, and spatial information, amino acid conservation, physicochemical variation, residue mobility, and thermodynamic stability) performed at Invitae indicates that this missense variant is not expected to disrupt FLNA protein function. This variant has not been reported in the literature in individuals affected with FLNA-related conditions. This variant is not present in population databases (ExAC no frequency). This sequence change replaces arginine with proline at codon 2635 of the FLNA protein (p.Arg2635Pro). The arginine residue is moderately conserved and there is a moderate physicochemical difference between arginine and proline.